The following is an entry in ClinVar:

ClinVar aggregate classification (germline): Likely pathogenic. Review status: criteria provided, multiple submitters, no conflicts (2 of 4 stars). 2 submissions from 2 submitters: Likely pathogenic (2). Last evaluated 2025-01-02.

Conditions:
Spondyloepiphyseal dysplasia congenita (SEDC). Also called: SED CONGENITA; SPONDYLOEPIPHYSEAL DYSPLASIA, CONGENITAL TYPE. Identifiers: Orphanet 94068, MedGen C2745959, MONDO:0008471, OMIM 183900.
Type 2 collagenopathy. Identifiers: Orphanet 93421, MedGen C2931073, MONDO:0022800.

Submissions (2):

Victorian Clinical Genetics Services, Murdoch Childrens Research Institute
Classification: Likely pathogenic for Type 2 collagenopathy. Last evaluated: 2025-01-02. Review status: criteria provided, single submitter. Criteria: ACMG Guidelines, 2015. Collection method: clinical testing. Allele origin: germline. Affected: yes.
Comment: This variant is classified as Likely pathogenic. Evidence in support of pathogenic classification: Canonical splice site variant without proven consequence on splicing (no functional evidence available); Variant is absent from gnomAD (v2, v3 and v4); This variant has limited previous evidence of pathogenicity in an unrelated individual(s). Abnormal splicing is predicted by in silico tool and affected nucleotide is highly conserved; Additional information: This variant is heterozygous; This gene is associated with autosomal dominant disease; No published segregation evidence has been identified for this variant; No published functional evidence has been identified for this variant; No comparable splice variants have previous evidence for pathogenicity; Dominant negative and loss of function are known mechanisms of disease in this gene and are associated with COL2A1-related disorders. Loss of function variants have been reported to cause Stickler syndrome, whereas missense variants with a dominant negative effect on protein function result in spondyloepiphyseal or spondyloepimetaphyseal dysplasia (OMIM, PMID: 35052477, PMID: 15895462); Variants in this gene are known to have variable expressivity (PMID: 20301479).

Division of Medical Genetics, Department of Pediatrics, All India Institute of Medical Sciences, New Delhi
Classification: Likely pathogenic for Spondyloepiphyseal dysplasia congenita. Last evaluated: 2023-11-27. Review status: criteria provided, single submitter. Criteria: ACMG Guidelines, 2015. Collection method: research. Allele origin: unknown. Inheritance: Autosomal dominant inheritance. Affected: yes.

Literature cited by the submitters: PubMed 15895462 (cited by Victorian Clinical Genetics Services, Murdoch Childrens Research Institute); PubMed 20301479 (cited by Victorian Clinical Genetics Services, Murdoch Childrens Research Institute); PubMed 35052477 (cited by Victorian Clinical Genetics Services, Murdoch Childrens Research Institute).

NM_001844.5(COL2A1):c.1581+1G>A

Gene: COL2A1 (collagen type II alpha 1 chain; minus strand). Cytogenetic location: 12q13.11.
Variant type: single nucleotide variant.
Coding change: c.1581+1G>A on transcript NM_001844.5 (MANE Select); the canonical splice donor site of the intron after coding-DNA position 1581, G replaced by A.
Molecular consequence: splice donor variant.
Genome position (GRCh38, 1-based): chr12:47,985,911, C>T on the plus strand (G>A on the coding strand, the complement: COL2A1 is on the minus strand). VCF-style: chr12-47985911-C-T. GRCh37 (hg19) VCF-style: chr12-48379694-C-T.
Other names: c.1374+1G>A (NM_033150.3).
Identifiers: ClinVar variation 2663838 (VCV002663838.2), dbSNP rs2540147368, ClinGen allele CA384551930.